The following is an entry in ClinVar:

ClinVar aggregate classification (germline): Uncertain significance. Review status: criteria provided, multiple submitters, no conflicts (2 of 4 stars). 2 submissions from 2 submitters: Uncertain significance (2). Last evaluated 2026-02-05.

gnomAD v4.1: 2 of 1,613,908 alleles (0.00012%); highest among the groups gnomAD compares: Admixed American, 0.0033%; no homozygotes.

Submissions (2):

GeneDx
Classification: Uncertain significance. Last evaluated: 2026-02-05. Review status: criteria provided, single submitter. Criteria: GeneDx Variant Classification Process June 2021. Collection method: clinical testing. Allele origin: germline.
Comment: Has not been previously published as pathogenic or benign to our knowledge; In silico analysis suggests this variant may impact gene splicing. In the absence of RNA/functional studies, the actual effect of this sequence change is unknown.

Labcorp Genetics (formerly Invitae), Labcorp
Classification: Uncertain significance. Last evaluated: 2024-10-27. Review status: criteria provided, single submitter. Criteria: Invitae Variant Classification Sherloc (09022015). Collection method: clinical testing. Allele origin: germline.
Comment: This sequence change falls in intron 22 of the HSPG2 gene. It does not directly change the encoded amino acid sequence of the HSPG2 protein. This variant is present in population databases (rs771223089, gnomAD 0.009%). This variant has not been reported in the literature in individuals affected with HSPG2-related conditions. Algorithms developed to predict the effect of sequence changes on RNA splicing suggest that this variant may disrupt the consensus splice site. In summary, the available evidence is currently insufficient to determine the role of this variant in disease. Therefore, it has been classified as a Variant of Uncertain Significance.

NM_005529.7(HSPG2):c.2826+17G>A

Gene: HSPG2 (heparan sulfate proteoglycan 2; minus strand). Cytogenetic location: 1p36.12.
Variant type: single nucleotide variant.
Coding change: c.2826+17G>A on transcript NM_005529.7 (MANE Select); 17 bases into the intron after coding-DNA position 2826, G replaced by A.
Molecular consequence: intron variant.
Genome position (GRCh38, 1-based): chr1:21,876,495, C>T on the plus strand (G>A on the coding strand, the complement: HSPG2 is on the minus strand). VCF-style: chr1-21876495-C-T. GRCh37 (hg19) VCF-style: chr1-22202988-C-T.
Other names: c.2829+17G>A (NM_001291860.2).
Identifiers: ClinVar variation 3696804 (VCV003696804.3).